The following is an entry in ClinVar:

NM_001543.5(NDST1):c.499A>G (p.Ile167Val)

Gene: NDST1 (N-deacetylase and N-sulfotransferase 1; plus strand). Cytogenetic location: 5q33.1.
Variant type: single nucleotide variant.
Coding change: c.499A>G on transcript NM_001543.5 (MANE Select); coding-DNA position 499, A replaced by G.
Protein change: p.Ile167Val; replaces isoleucine 167 with valine.
Molecular consequence: missense variant.
Genome position (GRCh38, 1-based): chr5:150,521,753, A>G. VCF-style: chr5-150521753-A-G. GRCh37 (hg19) VCF-style: chr5-149901315-A-G.
Other names: c.499A>G, p.Ile167Val (NM_001301063.2); short protein forms I167V.
Identifiers: ClinVar variation 4760608 (VCV004760608.1).

ClinVar aggregate classification (germline): Uncertain significance (1 of 4 stars; one submission).

gnomAD v4.1: 4 of 1,613,680 alleles (0.00025%); highest among the groups gnomAD compares: Non-Finnish European, 0.00034%; no homozygotes.

Submission:

Labcorp Genetics (formerly Invitae), Labcorp
Classification: Uncertain significance. Last evaluated: 2025-10-08. Review status: criteria provided, single submitter. Criteria: Invitae Variant Classification Sherloc (09022015). Collection method: clinical testing. Allele origin: germline.
Comment: This sequence change replaces isoleucine, which is neutral and non-polar, with valine, which is neutral and non-polar, at codon 167 of the NDST1 protein (p.Ile167Val). This variant is not present in population databases (gnomAD no frequency). This variant has not been reported in the literature in individuals affected with NDST1-related conditions. Invitae Evidence Modeling of protein sequence and biophysical properties (such as structural, functional, and spatial information, amino acid conservation, physicochemical variation, residue mobility, and thermodynamic stability) indicates that this missense variant is not expected to disrupt NDST1 protein function with a negative predictive value of 80%. In summary, the available evidence is currently insufficient to determine the role of this variant in disease. Therefore, it has been classified as a Variant of Uncertain Significance.